The following is an entry in ClinVar:

NM_000264.5(PTCH1):c.4208A>G (p.Glu1403Gly)

Gene: PTCH1 (patched 1; minus strand). Cytogenetic location: 9q22.32.
Variant type: single nucleotide variant.
Coding change: c.4208A>G on transcript NM_000264.5 (MANE Select); coding-DNA position 4208, A replaced by G.
Protein change: p.Glu1403Gly; replaces glutamic acid 1403 with glycine.
Molecular consequence: missense variant. On other transcripts: non-coding transcript variant (1).
Genome position (GRCh38, 1-based): chr9:95,447,048, T>C on the plus strand (A>G on the coding strand, the complement: PTCH1 is on the minus strand). VCF-style: chr9-95447048-T-C. GRCh37 (hg19) VCF-style: chr9-98209330-T-C.
Other names: c.4010A>G, p.Glu1337Gly (NM_001083602.3); c.4205A>G, p.Glu1402Gly (NM_001083603.3); c.3755A>G, p.Glu1252Gly (NM_001083604.3, NM_001083605.3, NM_001083606.3 and 1 more transcripts); c.4208A>G (NM_000264.3); c.4052A>G, p.Glu1351Gly (NM_001354918.2); short protein forms E1351G, E1402G, E1252G, E1337G, E1403G.
Identifiers: ClinVar variation 1506540 (VCV001506540.9), dbSNP rs1837974768, ClinGen allele CA374110115.

ClinVar aggregate classification (germline): Uncertain significance. Review status: criteria provided, multiple submitters, no conflicts (2 of 4 stars). 2 submissions from 2 submitters: Uncertain significance (2). Last evaluated 2024-03-19.

Conditions:
Hereditary cancer-predisposing syndrome. Also called: Tumor predisposition; Hereditary neoplastic syndrome; Neoplastic Syndromes, Hereditary; Hereditary Cancer Syndrome. Identifiers: Orphanet 140162, MedGen C0027672, MeSH D009386, MONDO:0015356.
Gorlin syndrome. Also called: Nevoid Basal Cell Carcinoma Syndrome; Basal cell nevus syndrome. Identifiers: Orphanet 377, MedGen C0004779, MONDO:0007187.

Allele frequency attached by ClinVar (database versions not stated): TOPMed below 0.00001.

Submissions (2):

Ambry Genetics
Classification: Uncertain significance for Hereditary cancer-predisposing syndrome. Last evaluated: 2024-03-19. Review status: criteria provided, single submitter. Criteria: Ambry Variant Classification Scheme 2023. Collection method: clinical testing. Allele origin: germline.
Comment: The p.E1403G variant (also known as c.4208A>G), located in coding exon 23 of the PTCH1 gene, results from an A to G substitution at nucleotide position 4208. The glutamic acid at codon 1403 is replaced by glycine, an amino acid with similar properties. This amino acid position is conserved. In addition, the in silico prediction for this alteration is inconclusive. Based on the available evidence, the clinical significance of this alteration remains unclear.

Labcorp Genetics (formerly Invitae), Labcorp
Classification: Uncertain significance for Gorlin syndrome. Last evaluated: 2024-02-01. Review status: criteria provided, single submitter. Criteria: Invitae Variant Classification Sherloc (09022015). Collection method: clinical testing. Allele origin: germline.
Comment: This sequence change replaces glutamic acid, which is acidic and polar, with glycine, which is neutral and non-polar, at codon 1403 of the PTCH1 protein (p.Glu1403Gly). This variant is not present in population databases (gnomAD no frequency). This variant has not been reported in the literature in individuals affected with PTCH1-related conditions. ClinVar contains an entry for this variant (Variation ID: 1506540). Advanced modeling of protein sequence and biophysical properties (such as structural, functional, and spatial information, amino acid conservation, physicochemical variation, residue mobility, and thermodynamic stability) performed at Invitae indicates that this missense variant is not expected to disrupt PTCH1 protein function with a negative predictive value of 95%. In summary, the available evidence is currently insufficient to determine the role of this variant in disease. Therefore, it has been classified as a Variant of Uncertain Significance.